The following is an entry in ClinVar:

ClinVar aggregate classification (germline): Uncertain significance. Review status: criteria provided, multiple submitters, no conflicts (2 of 4 stars). 2 submissions from 2 submitters: Uncertain significance (2). Last evaluated 2024-07-30.

Conditions:
Cardiovascular phenotype. Identifiers: MedGen CN230736.

Allele frequency attached by ClinVar (database versions not stated): gnomAD exomes below 0.00001.
gnomAD v4.1: 1 of 1,613,862 alleles (0.000062%); highest among the groups gnomAD compares: Non-Finnish European, 0.000085%; no homozygotes.

Submissions (2):

Labcorp Genetics (formerly Invitae), Labcorp
Classification: Uncertain significance. Last evaluated: 2024-07-30. Review status: criteria provided, single submitter. Criteria: Invitae Variant Classification Sherloc (09022015). Collection method: clinical testing. Allele origin: germline.
Comment: This sequence change replaces glutamic acid, which is acidic and polar, with aspartic acid, which is acidic and polar, at codon 1018 of the ALPK3 protein (p.Glu1018Asp). This variant is present in population databases (no rsID available, gnomAD 0.0009%). This variant has not been reported in the literature in individuals affected with ALPK3-related conditions. An algorithm developed to predict the effect of missense changes on protein structure and function (PolyPhen-2) suggests that this variant is likely to be tolerated. In summary, the available evidence is currently insufficient to determine the role of this variant in disease. Therefore, it has been classified as a Variant of Uncertain Significance.

Ambry Genetics
Classification: Uncertain significance for Cardiovascular phenotype. Last evaluated: 2023-12-31. Review status: criteria provided, single submitter. Criteria: Ambry Variant Classification Scheme 2023. Collection method: clinical testing. Allele origin: germline.
Comment: The p.E1018D variant (also known as c.3054G>C), located in coding exon 6 of the ALPK3 gene, results from a G to C substitution at nucleotide position 3054. The glutamic acid at codon 1018 is replaced by aspartic acid, an amino acid with highly similar properties. This amino acid position is conserved. In addition, this alteration is predicted to be tolerated by in silico analysis. Since supporting evidence is limited at this time, the clinical significance of this alteration remains unclear.

NM_020778.5(ALPK3):c.2448G>C (p.Glu816Asp)

Gene: ALPK3 (alpha kinase 3; plus strand). Cytogenetic location: 15q25.3.
Variant type: single nucleotide variant.
Coding change: c.2448G>C on transcript NM_020778.5 (MANE Select); coding-DNA position 2448, G replaced by C.
Protein change: p.Glu816Asp; replaces glutamic acid 816 with aspartic acid.
Molecular consequence: missense variant.
Genome position (GRCh38, 1-based): chr15:84,857,186, G>C. VCF-style: chr15-84857186-G-C. GRCh37 (hg19) VCF-style: chr15-85400417-G-C.
Other names: short protein forms E816D.
Identifiers: ClinVar variation 3227464 (VCV003227464.3), dbSNP rs1238666108, ClinGen allele CA393357183.
Genomic context (GRCh38, chr15:84,857,186, plus strand): 5'-GAACCTCATGCTCCCAGCACAGCCGCCCCATGAGGGGAGTGTGGAGCAGGTGGGAGGAGA[G>C]AGATGCCGAGGGCCACAGTCATCAGGCCCAGTCGAGGCCAAGCAGGAGGACAGCCCGTTC-3'
Protein context (NP_065829.4, residues 806-826): HEGSVEQVGG[Glu816Asp]RCRGPQSSGP